The following is an entry in ClinVar:

NM_000214.3(JAG1):c.2728G>T (p.Glu910Ter)

Gene: JAG1 (jagged canonical Notch ligand 1; minus strand). Cytogenetic location: 20p12.2.
Variant type: single nucleotide variant.
Coding change: c.2728G>T on transcript NM_000214.3 (MANE Select); coding-DNA position 2728, G replaced by T.
Protein change: p.Glu910Ter; replaces glutamic acid 910 with a stop codon.
Molecular consequence: nonsense.
Genome position (GRCh38, 1-based): chr20:10,641,648, C>A on the plus strand (G>T on the coding strand, the complement: JAG1 is on the minus strand). VCF-style: chr20-10641648-C-A. GRCh37 (hg19) VCF-style: chr20-10622296-C-A.
Other names: short protein forms E910*.
Identifiers: ClinVar variation 3028928 (VCV003028928.2), dbSNP rs368734792, ClinGen allele CA408245103.
Genomic context (GRCh38, chr20:10,641,648, plus strand): 5'-AGGGGTGGACGAAGCACTGGTCGTCCAGGATGGGGATGCAGCTCTGCCCGCTGGGGCACT[C>A]GCTGTGCCCTTTGTGGAGCAGGCAAGGTCGAGGGCCACACCAGACCTGGAGAAAAACAGA-3'

ClinVar aggregate classification (germline): Pathogenic (0 of 4 stars; one submission).

Conditions:
JAG1-related disorder. Also called: JAG1-related disorders; JAG1-related condition.

Submission:

PreventionGenetics, part of Exact Sciences
Classification: Pathogenic for JAG1-related condition. Last evaluated: 2023-11-15. Review status: no assertion criteria provided. Collection method: clinical testing. Allele origin: germline.
Comment: The JAG1 c.2728G>T variant is predicted to result in premature protein termination (p.Glu910*). To our knowledge, this variant has not been reported in the literature or in a large population database, indicating this variant is rare. Nonsense and other loss-of-function variants in JAG1 are a commonly documented cause of disease (see for example Gilbert et al. 2019. PubMed ID: 31343788). This variant is interpreted as pathogenic.